The following is an entry in ClinVar:

NM_000038.6(APC):c.1525A>T (p.Thr509Ser)

Gene: APC (APC regulator of Wnt signaling pathway; plus strand). Cytogenetic location: 5q22.2.
Variant type: single nucleotide variant.
Coding change: c.1525A>T on transcript NM_000038.6 (MANE Select); coding-DNA position 1525, A replaced by T.
Protein change: p.Thr509Ser; replaces threonine 509 with serine.
Molecular consequence: missense variant.
Genome position (GRCh38, 1-based): chr5:112,827,224, A>T. VCF-style: chr5-112827224-A-T. GRCh37 (hg19) VCF-style: chr5-112162921-A-T.
Other names: c.1525A>T, p.Thr509Ser (NM_001127510.3, NM_001354895.2); c.1471A>T, p.Thr491Ser (NM_001127511.3); c.1579A>T, p.Thr527Ser (NM_001354896.2); c.1555A>T, p.Thr519Ser (NM_001354897.2); c.1450A>T, p.Thr484Ser (NM_001354898.2); c.1441A>T, p.Thr481Ser (NM_001354899.2); c.1402A>T, p.Thr468Ser (NM_001354900.2); c.1348A>T, p.Thr450Ser (NM_001354901.2); and 5 more; short protein forms T491S, T509S, T383S, T468S, T527S, T226S, T349S, T481S.
Identifiers: ClinVar variation 537492 (VCV000537492.10), dbSNP rs1554081744, ClinGen allele CA16024642.

ClinVar aggregate classification (germline): Uncertain significance (1 of 4 stars; one submission).

Conditions:
Familial adenomatous polyposis 1 (FAP1). Also called: FAMILIAL ADENOMATOUS POLYPOSIS 1, ATTENUATED; POLYPOSIS, ADENOMATOUS INTESTINAL. Identifiers: MedGen C2713442, MONDO:0021056, OMIM 175100. Disease mechanism: loss of function.

Submission:

Labcorp Genetics (formerly Invitae), Labcorp
Classification: Uncertain significance for Familial adenomatous polyposis 1. Last evaluated: 2017-11-07. Review status: criteria provided, single submitter. Criteria: Invitae Variant Classification Sherloc (09022015). Collection method: clinical testing. Allele origin: germline.
Comment: This sequence change replaces threonine with serine at codon 509 of the APC protein (p.Thr509Ser). The threonine residue is highly conserved and there is a small physicochemical difference between threonine and serine. In summary, the available evidence is currently insufficient to determine the role of this variant in disease. Therefore, it has been classified as a Variant of Uncertain Significance. Algorithms developed to predict the effect of missense changes on protein structure and function do not agree on the potential impact of this missense change (SIFT: "Deleterious"; PolyPhen-2: "Benign"; Align-GVGD: "Class C55"). This variant has not been reported in the literature in individuals with APC-related disease. This variant is not present in population databases (ExAC no frequency).